The following is an entry in ClinVar:

NM_005996.4(TBX3):c.534C>T (p.Pro178=)

Gene: TBX3 (T-box transcription factor 3; minus strand). Cytogenetic location: 12q24.21.
Variant type: single nucleotide variant.
Coding change: c.534C>T on transcript NM_005996.4 (MANE Select); coding-DNA position 534, C replaced by T.
Protein change: p.Pro178=; no amino-acid change (proline 178 retained).
Molecular consequence: synonymous variant.
Genome position (GRCh38, 1-based): chr12:114,681,002, G>A on the plus strand (C>T on the coding strand, the complement: TBX3 is on the minus strand). VCF-style: chr12-114681002-G-A. GRCh37 (hg19) VCF-style: chr12-115118807-G-A.
Other names: c.534C>T, p.Pro178= (NM_016569.4).
Identifiers: ClinVar variation 3046481 (VCV003046481.2), dbSNP rs757541848, ClinGen allele CA6810183.

ClinVar aggregate classification (germline): Likely benign (0 of 4 stars; one submission).

Conditions:
TBX3-related disorder. Also called: TBX3-related condition.

Allele frequency attached by ClinVar (database versions not stated): TOPMed 0.00001; ExAC 0.00002; gnomAD 0.00003.
gnomAD v4.1: 16 of 1,613,662 alleles (0.00099%); highest among the groups gnomAD compares: African/African-American, 0.0027%; no homozygotes.

Submission:

PreventionGenetics, part of Exact Sciences
Classification: Likely benign for TBX3-related condition. Last evaluated: 2023-08-29. Review status: no assertion criteria provided. Collection method: clinical testing. Allele origin: germline.
Comment: This variant is classified as likely benign based on ACMG/AMP sequence variant interpretation guidelines (Richards et al. 2015 PMID: 25741868, with internal and published modifications).